The following is an entry in ClinVar:

NM_001370466.1(NOD2):c.2654G>C (p.Gly885Ala)

Gene: NOD2 (nucleotide binding oligomerization domain containing 2; plus strand). Cytogenetic location: 16q12.1.
Variant type: single nucleotide variant.
Coding change: c.2654G>C on transcript NM_001370466.1 (MANE Select); coding-DNA position 2654, G replaced by C.
Protein change: p.Gly885Ala; replaces glycine 885 with alanine.
Molecular consequence: missense variant. On other transcripts: non-coding transcript variant (1).
Genome position (GRCh38, 1-based): chr16:50,722,642, G>C. VCF-style: chr16-50722642-G-C. GRCh37 (hg19) VCF-style: chr16-50756553-G-C.
Other names: c.2654G>C, p.Gly885Ala (NM_001293557.2); c.2735G>C, p.Gly912Ala (NM_022162.3); short protein forms G885A, G912A.
Identifiers: ClinVar variation 965750 (VCV000965750.9), dbSNP rs779300567, ClinGen allele CA8051958.

ClinVar aggregate classification (germline): Uncertain significance. Review status: criteria provided, multiple submitters, no conflicts (2 of 4 stars). 2 submissions from 2 submitters: Uncertain significance (2). Last evaluated 2025-06-27.

Conditions:
NOD2-related disorder. Also called: NOD2-related condition.
Regional enteritis. Also called: Enteritis, Granulomatous. Identifiers: MedGen C0678202, MeSH D003424.
Blau syndrome (BLAUS). Also called: GRANULOMATOSIS, FAMILIAL JUVENILE SYSTEMIC; GRANULOMATOSIS, FAMILIAL, BLAU TYPE; GRANULOMATOUS INFLAMMATORY ARTHRITIS, DERMATITIS, AND UVEITIS, FAMILIAL; JABS SYNDROME; ARTHROCUTANEOUVEAL GRANULOMATOSIS. Identifiers: Orphanet 90340, MedGen C5201146, MONDO:0008523, OMIM 186580.

Allele frequency attached by ClinVar (database versions not stated): gnomAD 0.00001; gnomAD exomes 0.00001 and 0.00002; TOPMed 0.00001; ExAC 0.00002.

Submissions (2):

Labcorp Genetics (formerly Invitae), Labcorp
Classification: Uncertain significance for Regional enteritis; Blau syndrome. Last evaluated: 2025-06-27. Review status: criteria provided, single submitter. Criteria: Invitae Variant Classification Sherloc (09022015). Collection method: clinical testing. Allele origin: germline.
Comment: This sequence change replaces glycine, which is neutral and non-polar, with alanine, which is neutral and non-polar, at codon 912 of the NOD2 protein (p.Gly912Ala). This variant is present in population databases (rs779300567, gnomAD 0.008%). This variant has not been reported in the literature in individuals affected with NOD2-related conditions. ClinVar contains an entry for this variant (Variation ID: 965750). Invitae Evidence Modeling of protein sequence and biophysical properties (such as structural, functional, and spatial information, amino acid conservation, physicochemical variation, residue mobility, and thermodynamic stability) has been performed for this missense variant. However, the output from this modeling did not meet the statistical confidence thresholds required to predict the impact of this variant on NOD2 protein function. In summary, the available evidence is currently insufficient to determine the role of this variant in disease. Therefore, it has been classified as a Variant of Uncertain Significance.

PreventionGenetics, part of Exact Sciences
Classification: Uncertain significance for NOD2-related condition. Last evaluated: 2025-05-12. Review status: criteria provided, single submitter. Criteria: ACMG Guidelines, 2015. Collection method: clinical testing. Allele origin: germline.
Comment: The NOD2 c.2735G>C variant is predicted to result in the amino acid substitution p.Gly912Ala. To our knowledge, this variant has not been reported in the literature. This variant is reported in 0.0080% of alleles in individuals of African descent in gnomAD. At this time, the clinical significance of this variant is uncertain due to the absence of conclusive functional and genetic evidence.